The following is an entry in ClinVar:

ClinVar aggregate classification (germline): Uncertain significance (1 of 4 stars; one submission).

Conditions:
Bethlem myopathy 1A. Also called: MYOPATHY, BENIGN CONGENITAL, WITH CONTRACTURES; Bethlem myopathy 1; Bethlem Muscular Dystrophy. Identifiers: Orphanet 610, MedGen CN029274, MONDO:0024530, OMIM 158810.

Allele frequency attached by ClinVar (database versions not stated): TOPMed below 0.00001; gnomAD 0.00001.
gnomAD v4.1: 3 of 1,579,710 alleles (0.00019%); highest among the groups gnomAD compares: African/African-American, 0.0014%; no homozygotes.

Submission:

Labcorp Genetics (formerly Invitae), Labcorp
Classification: Uncertain significance for Bethlem myopathy 1A. Last evaluated: 2023-03-03. Review status: criteria provided, single submitter. Criteria: Invitae Variant Classification Sherloc (09022015). Collection method: clinical testing. Allele origin: germline.
Comment: Variants that disrupt the consensus splice site are a relatively common cause of aberrant splicing (PMID: 17576681, 9536098). Algorithms developed to predict the effect of sequence changes on RNA splicing suggest that this variant may disrupt the consensus splice site. In summary, the available evidence is currently insufficient to determine the role of this variant in disease. Therefore, it has been classified as a Variant of Uncertain Significance. This variant has not been reported in the literature in individuals affected with COL6A2-related conditions. The frequency data for this variant in the population databases is considered unreliable, as metrics indicate poor data quality at this position in the gnomAD database. This sequence change falls in intron 7 of the COL6A2 gene. It does not directly change the encoded amino acid sequence of the COL6A2 protein. It affects a nucleotide within the consensus splice site.

Literature cited by the submitters: PubMed 17576681; PubMed 9536098.

NM_001849.4(COL6A2):c.900+5G>A

Gene: COL6A2 (collagen type VI alpha 2 chain; plus strand). Cytogenetic location: 21q22.3.
Variant type: single nucleotide variant.
Coding change: c.900+5G>A on transcript NM_001849.4 (MANE Select); 5 bases into the intron after coding-DNA position 900, G replaced by A.
Molecular consequence: intron variant.
Genome position (GRCh38, 1-based): chr21:46,116,058, G>A. VCF-style: chr21-46116058-G-A. GRCh37 (hg19) VCF-style: chr21-47535972-G-A.
Other names: c.900+5G>A (NM_058175.3, NM_058174.3).
Identifiers: ClinVar variation 3001615 (VCV003001615.3), dbSNP rs962641062, ClinGen allele CA321959720.